The following is an entry in ClinVar:

ClinVar aggregate classification (germline): Likely benign. Review status: criteria provided, multiple submitters, no conflicts (2 of 4 stars). 7 submissions from 7 submitters: Likely benign (5). 2 of the submissions do not count toward it. Last evaluated 2026-02-04.

Conditions:
Epidermolysis bullosa dystrophica. Also called: Dystrophic epidermolysis bullosa, Hallopeau-Siemens type (formerly); Dystrophic epidermolysis bullosa. Identifiers: Orphanet 303, MedGen C0079294, MONDO:0006543.
COL7A1-related disorder. Also called: COL7A1-related condition; COL7A1- related disorders.

Allele frequency attached by ClinVar (database versions not stated): ExAC 0.00044; gnomAD exomes 0.00047; gnomAD 0.00066; TOPMed 0.00075; 1000 Genomes Project 30x 0.00141; ESP Exome Variant Server 0.00146; 1000 Genomes Project 0.00160.
gnomAD v4.1: 625 of 1,613,904 alleles (0.039%); highest among the groups gnomAD compares: Middle Eastern, 0.61%; 3 homozygotes.

Submissions (7):

Labcorp Genetics (formerly Invitae), Labcorp
Classification: Likely benign. Last evaluated: 2026-02-04. Review status: criteria provided, single submitter. Criteria: Invitae Variant Classification Sherloc (09022015). Collection method: clinical testing. Allele origin: germline.

Blueprint Genetics
Classification: Likely benign. Last evaluated: 2024-10-24. Review status: criteria provided, single submitter. Criteria: ACMG Guidelines, 2015. Collection method: clinical testing. Allele origin: germline.

CeGaT Center for Human Genetics Tuebingen
Classification: Likely benign. Last evaluated: 2022-11-01. Review status: criteria provided, single submitter. Criteria: CeGaT Center For Human Genetics Tuebingen Variant Classification Criteria Version 2. Collection method: clinical testing. Allele origin: germline. Affected: yes. Observed: 2 variant alleles.
Comment: COL7A1: BP4

Illumina Laboratory Services, Illumina
Classification: Likely benign for Dystrophic epidermolysis bullosa. Last evaluated: 2017-04-28. Review status: criteria provided, single submitter. Criteria: ICSL Variant Classification Criteria 13 December 2019. Collection method: clinical testing. Allele origin: germline.
Comment: This variant was observed as part of a predisposition screen in an ostensibly healthy population. A literature search was performed for the gene, cDNA change, and amino acid change (where applicable). Publications were found based on this search. The evidence from the literature, in combination with allele frequency data from public databases where available, was sufficient to determine this variant is unlikely to cause disease. Therefore, this variant is classified as likely benign.

Breakthrough Genomics
Classification: Likely benign. Review status: criteria provided, single submitter. Criteria: ACMG Guidelines, 2015. Collection method: not provided. Allele origin: germline. Inheritance: Autosomal recessive inheritance. Affected: yes.

PreventionGenetics, part of Exact Sciences
Classification: Likely benign for COL7A1-related condition. Last evaluated: 2023-06-06. Review status: no assertion criteria provided. Collection method: clinical testing. Allele origin: germline. Not counted in ClinVar's aggregate classification.
Comment: This variant is classified as likely benign based on ACMG/AMP sequence variant interpretation guidelines (Richards et al. 2015 PMID: 25741868, with internal and published modifications).

Natera, Inc.
Classification: Benign for Dystrophic epidermolysis bullosa. Last evaluated: 2020-07-30. Review status: no assertion criteria provided. Collection method: clinical testing. Allele origin: germline. Not counted in ClinVar's aggregate classification.

Literature cited by the submitters: PubMed 25819062 (cited by Illumina Laboratory Services, Illumina).

NM_000094.4(COL7A1):c.4312G>A (p.Val1438Ile)

Gene: COL7A1 (collagen type VII alpha 1 chain; minus strand). Cytogenetic location: 3p21.31.
Variant type: single nucleotide variant.
Coding change: c.4312G>A on transcript NM_000094.4 (MANE Select); coding-DNA position 4312, G replaced by A.
Protein change: p.Val1438Ile; replaces valine 1438 with isoleucine.
Molecular consequence: missense variant.
Genome position (GRCh38, 1-based): chr3:48,583,747, C>T on the plus strand (G>A on the coding strand, the complement: COL7A1 is on the minus strand). VCF-style: chr3-48583747-C-T. GRCh37 (hg19) VCF-style: chr3-48621180-C-T.
Other names: short protein forms V1438I.
Identifiers: ClinVar variation 712528 (VCV000712528.50), dbSNP rs148625586, ClinGen allele CA2380102.
Genomic context (GRCh38, chr3:48,583,747, plus strand): 5'-AACTGGGACATCATCAAGTCAGCCTTCCTACTTTTTCTCCTTTCTTTCCAGGGGGGCCAA[C>T]GGGGCCTTGGGGTCCAGGGCTTCCGGGAAGACCCTAGGAAGAAGTGAGTAAAAATATGAG-3'
Protein context (NP_000085.1, residues 1428-1448): LPGSPGPQGP[Val1438Ile]GPPGKKGEKG